The following is an entry in ClinVar:

ClinVar aggregate classification (germline): Uncertain significance (1 of 4 stars; one submission).

Conditions:
Emery-Dreifuss muscular dystrophy 5, autosomal dominant (EDMD5). Also called: EMERY-DREIFUSS MUSCULAR DYSTROPHY 5. Identifiers: Orphanet 261, MedGen C2751805, MONDO:0013072, OMIM 612999.

gnomAD v4.1: 1 of 1,614,018 alleles (0.000062%); highest among the groups gnomAD compares: Non-Finnish European, 0.000085%; no homozygotes.

Submission:

Labcorp Genetics (formerly Invitae), Labcorp
Classification: Uncertain significance for Emery-Dreifuss muscular dystrophy 5, autosomal dominant. Last evaluated: 2025-06-17. Review status: criteria provided, single submitter. Criteria: Invitae Variant Classification Sherloc (09022015). Collection method: clinical testing. Allele origin: germline.
Comment: This sequence change replaces tryptophan, which is neutral and slightly polar, with arginine, which is basic and polar, at codon 4959 of the SYNE2 protein (p.Trp4959Arg). This variant is not present in population databases (gnomAD no frequency). This variant has not been reported in the literature in individuals affected with SYNE2-related conditions. An algorithm developed to predict the effect of missense changes on protein structure and function (PolyPhen-2) suggests that this variant is likely to be disruptive. In summary, the available evidence is currently insufficient to determine the role of this variant in disease. Therefore, it has been classified as a Variant of Uncertain Significance.

NM_182914.3(SYNE2):c.14875T>C (p.Trp4959Arg)

Gene: SYNE2 (spectrin repeat containing nuclear envelope protein 2; plus strand). Cytogenetic location: 14q23.2.
Variant type: single nucleotide variant.
Coding change: c.14875T>C on transcript NM_182914.3 (MANE Select); coding-DNA position 14875, T replaced by C.
Protein change: p.Trp4959Arg; replaces tryptophan 4959 with arginine.
Molecular consequence: missense variant.
Genome position (GRCh38, 1-based): chr14:64,139,972, T>C. VCF-style: chr14-64139972-T-C. GRCh37 (hg19) VCF-style: chr14-64606690-T-C.
Other names: c.14875T>C, p.Trp4959Arg (NM_015180.6); short protein forms W4959R.
Identifiers: ClinVar variation 4706140 (VCV004706140.1).